The following is an entry in ClinVar:

NM_001792.5(CDH2):c.2555A>G (p.Tyr852Cys)

Genes: CDH2 (cadherin 2; minus strand), CDH2-AS1 (CDH2 antisense RNA 1; plus strand). Cytogenetic location: 18q12.1.
Variant type: single nucleotide variant.
Coding change: c.2555A>G on transcript NM_001792.5 (MANE Select); coding-DNA position 2555, A replaced by G.
Protein change: p.Tyr852Cys; replaces tyrosine 852 with cysteine.
Molecular consequence: missense variant.
Genome position (GRCh38, 1-based): chr18:27,952,319, T>C on the plus strand (A>G on the coding strand, the complement: CDH2 is on the minus strand). VCF-style: chr18-27952319-T-C. GRCh37 (hg19) VCF-style: chr18-25532283-T-C.
Other names: c.2462A>G, p.Tyr821Cys (NM_001308176.2); short protein forms Y852C, Y821C.
Identifiers: ClinVar variation 1793003 (VCV001793003.3), dbSNP rs1312662447, ClinGen allele CA402101516.

ClinVar aggregate classification (germline): Uncertain significance. Review status: criteria provided, multiple submitters, no conflicts (2 of 4 stars). 2 submissions from 2 submitters: Uncertain significance (2). Last evaluated 2025-07-20.

Conditions:
Inborn genetic diseases. Identifiers: MedGen C0950123, MeSH D030342.

Allele frequency attached by ClinVar (database versions not stated): gnomAD exomes below 0.00001.
gnomAD v4.1: 3 of 1,613,542 alleles (0.00019%); highest among the groups gnomAD compares: Non-Finnish European, 0.000085%; no homozygotes.

Submissions (2):

Labcorp Genetics (formerly Invitae), Labcorp
Classification: Uncertain significance. Last evaluated: 2025-07-20. Review status: criteria provided, single submitter. Criteria: Invitae Variant Classification Sherloc (09022015). Collection method: clinical testing. Allele origin: germline.
Comment: This sequence change replaces tyrosine, which is neutral and polar, with cysteine, which is neutral and slightly polar, at codon 852 of the CDH2 protein (p.Tyr852Cys). This variant is not present in population databases (gnomAD no frequency). This variant has not been reported in the literature in individuals affected with CDH2-related conditions. ClinVar contains an entry for this variant (Variation ID: 1793003). An algorithm developed to predict the effect of missense changes on protein structure and function (PolyPhen-2) suggests that this variant is likely to be disruptive. In summary, the available evidence is currently insufficient to determine the role of this variant in disease. Therefore, it has been classified as a Variant of Uncertain Significance.

Ambry Genetics
Classification: Uncertain significance for Inborn genetic diseases. Last evaluated: 2021-08-04. Review status: criteria provided, single submitter. Criteria: Ambry Variant Classification Scheme 2023. Collection method: clinical testing. Allele origin: germline.
Comment: The p.Y852C variant (also known as c.2555A>G), located in coding exon 16 of the CDH2 gene, results from an A to G substitution at nucleotide position 2555. The tyrosine at codon 852 is replaced by cysteine, an amino acid with highly dissimilar properties. This amino acid position is conserved. In addition, this alteration is predicted to be deleterious by in silico analysis. Since supporting evidence is limited at this time, the clinical significance of this alteration remains unclear.